The following is an entry in ClinVar:

ClinVar aggregate classification (germline): Uncertain significance. Review status: criteria provided, multiple submitters, no conflicts (2 of 4 stars). 3 submissions from 3 submitters: Uncertain significance (3). Last evaluated 2025-01-07.

Conditions:
Inborn genetic diseases. Identifiers: MedGen C0950123, MeSH D030342.

Allele frequency attached by ClinVar (database versions not stated): gnomAD exomes 0.00002; ExAC 0.00003; gnomAD 0.00002; TOPMed 0.00003.

Submissions (3):

GeneDx
Classification: Uncertain significance. Last evaluated: 2025-01-07. Review status: criteria provided, single submitter. Criteria: GeneDx Variant Classification Process June 2021. Collection method: clinical testing. Allele origin: germline. Affected: yes.
Comment: Not observed at significant frequency in large population cohorts (gnomAD); In silico analysis supports that this missense variant has a deleterious effect on protein structure/function; Has not been previously published as pathogenic or benign to our knowledge

Ambry Genetics
Classification: Uncertain significance for Inborn genetic diseases. Last evaluated: 2024-08-10. Review status: criteria provided, single submitter. Criteria: Ambry Variant Classification Scheme 2023. Collection method: clinical testing. Allele origin: germline.

Labcorp Genetics (formerly Invitae), Labcorp
Classification: Uncertain significance. Last evaluated: 2022-08-13. Review status: criteria provided, single submitter. Criteria: Invitae Variant Classification Sherloc (09022015). Collection method: clinical testing. Allele origin: germline.
Comment: This variant has not been reported in the literature in individuals affected with CNTNAP1-related conditions. In summary, the available evidence is currently insufficient to determine the role of this variant in disease. Therefore, it has been classified as a Variant of Uncertain Significance. Algorithms developed to predict the effect of missense changes on protein structure and function are either unavailable or do not agree on the potential impact of this missense change (SIFT: "Deleterious"; PolyPhen-2: "Benign"; Align-GVGD: "Class C55"). This sequence change replaces arginine, which is basic and polar, with cysteine, which is neutral and slightly polar, at codon 802 of the CNTNAP1 protein (p.Arg802Cys). This variant is present in population databases (rs777914248, gnomAD 0.006%).

NM_003632.3(CNTNAP1):c.2404C>T (p.Arg802Cys)

Gene: CNTNAP1 (contactin associated protein 1; plus strand). Cytogenetic location: 17q21.2.
Variant type: single nucleotide variant.
Coding change: c.2404C>T on transcript NM_003632.3 (MANE Select); coding-DNA position 2404, C replaced by T.
Protein change: p.Arg802Cys; replaces arginine 802 with cysteine.
Molecular consequence: missense variant.
Genome position (GRCh38, 1-based): chr17:42,691,865, C>T. VCF-style: chr17-42691865-C-T. GRCh37 (hg19) VCF-style: chr17-40843883-C-T.
Other names: c.2404C>T (NM_003632.2); short protein forms R802C.
Identifiers: ClinVar variation 1901150 (VCV001901150.6), dbSNP rs777914248, ClinGen allele CA8582049.
Genomic context (GRCh38, chr17:42,691,865, plus strand): 5'-GGAAATTCCTGGAACACCATTTCCTTCCACACCGGGGCTGCACTACGCTTCCCCCCAATC[C>T]GTGCCAACCACAGCCTGGATGTCTCCTTCTACTTCAGGACCTCTGCTCCCTCGGGGGTCT-3'
Protein context (NP_003623.1, residues 792-812): TGAALRFPPI[Arg802Cys]ANHSLDVSFY